The following is an entry in ClinVar:

NM_002739.5(PRKCG):c.1836C>T (p.Gly612=)

Gene: PRKCG (protein kinase C gamma; plus strand). Cytogenetic location: 19q13.42.
Variant type: single nucleotide variant.
Coding change: c.1836C>T on transcript NM_002739.5 (MANE Select); coding-DNA position 1836, C replaced by T.
Protein change: p.Gly612=; no amino-acid change (glycine 612 retained).
Molecular consequence: synonymous variant.
Genome position (GRCh38, 1-based): chr19:53,906,388, C>T. VCF-style: chr19-53906388-C-T. GRCh37 (hg19) VCF-style: chr19-54409642-C-T.
Other names: p.Gly612=; c.1836C>T (LRG_669t1); c.1836C>T, p.Gly612= (NM_001316329.2).
Identifiers: ClinVar variation 330068 (VCV000330068.37), dbSNP rs56211557, ClinGen allele CA9640711.

ClinVar aggregate classification (germline): Benign/Likely benign. Review status: criteria provided, multiple submitters, no conflicts (2 of 4 stars). 7 submissions from 7 submitters: Benign (4); Likely benign (2). 1 of the submissions does not count toward it. Last evaluated 2025-01-17.

Conditions:
PRKCG-related disorder. Also called: PRKCG-related condition.
Spinocerebellar ataxia type 14 (SCA14). Identifiers: Orphanet 98763, MedGen C1854369, MONDO:0011540, OMIM 605361.

Allele frequency attached by ClinVar (database versions not stated): 1000 Genomes Project 30x 0.00031; ESP Exome Variant Server 0.00031; 1000 Genomes Project 0.00040; TOPMed 0.00056; gnomAD 0.00058 and 0.00059; gnomAD exomes 0.00084 and 0.00127; ExAC 0.00143.
gnomAD v4.1: 1,840 of 1,563,874 alleles (0.12%); highest among the groups gnomAD compares: South Asian, 0.18%; 5 homozygotes.

Submissions (7):

Athena Diagnostics
Classification: Benign. Last evaluated: 2025-01-17. Review status: criteria provided, single submitter. Criteria: Athena Diagnostics Criteria. Collection method: clinical testing. Allele origin: unknown.
Comment: The frequency of this variant in the general population is higher than would generally be expected for pathogenic variants in this gene.

Blueprint Genetics
Classification: Likely benign. Last evaluated: 2024-11-25. Review status: criteria provided, single submitter. Criteria: ACMG Guidelines, 2015. Collection method: clinical testing. Allele origin: germline.

Mayo Clinic Laboratories, Mayo Clinic
Classification: Benign. Last evaluated: 2023-12-22. Review status: criteria provided, single submitter. Criteria: ACMG Guidelines, 2015. Collection method: clinical testing. Allele origin: germline. Observed: 2 variant alleles.
Comment: BS1, BS2, BP4, BP7

CeGaT Center for Human Genetics Tuebingen
Classification: Likely benign. Last evaluated: 2023-08-01. Review status: criteria provided, single submitter. Criteria: CeGaT Center For Human Genetics Tuebingen Variant Classification Criteria Version 2. Collection method: clinical testing. Allele origin: germline. Affected: yes. Observed: 2 variant alleles.
Comment: PRKCG: BP4, BP7, BS1

Labcorp Genetics (formerly Invitae), Labcorp
Classification: Benign. Last evaluated: 2019-12-31. Review status: criteria provided, single submitter. Criteria: Invitae Variant Classification Sherloc (09022015). Collection method: clinical testing. Allele origin: germline.

Illumina Laboratory Services, Illumina
Classification: Benign for Spinocerebellar ataxia type 14. Last evaluated: 2018-01-13. Review status: criteria provided, single submitter. Criteria: ICSL Variant Classification Criteria 13 December 2019. Collection method: clinical testing. Allele origin: germline.
Comment: This variant was observed in the ICSL laboratory as part of a predisposition screen in an ostensibly healthy population. It had not been previously curated by ICSL or reported in the Human Gene Mutation Database (HGMD: prior to June 1st, 2018), and was therefore a candidate for classification through an automated scoring system. Utilizing variant allele frequency, disease prevalence and penetrance estimates, and inheritance mode, an automated score was calculated to assess if this variant is too frequent to cause the disease. Based on the score and internal cut-off values, a variant classified as benign is not then subjected to further curation. The score for this variant resulted in a classification of benign for this disease.

PreventionGenetics, part of Exact Sciences
Classification: Likely benign for PRKCG-related condition. Last evaluated: 2019-07-15. Review status: no assertion criteria provided. Collection method: clinical testing. Allele origin: germline. Not counted in ClinVar's aggregate classification.
Comment: This variant is classified as likely benign based on ACMG/AMP sequence variant interpretation guidelines (Richards et al. 2015 PMID: 25741868, with internal and published modifications).

Literature cited by the submitters: PubMed 17344846 (cited by Athena Diagnostics).